The following is an entry in ClinVar:

ClinVar aggregate classification (germline): Benign (1 of 4 stars; one submission).

Allele frequency attached by ClinVar (database versions not stated): gnomAD exomes 0.38790; gnomAD 0.39707 and 0.40131; TOPMed 0.43208; 1000 Genomes Project 0.45347.
gnomAD v4.1: 351,792 of 901,542 alleles (39%); highest among the groups gnomAD compares: East Asian, 64%; 64,761 homozygotes.

Submission:

GeneDx
Classification: Benign. Last evaluated: 2018-06-14. Review status: criteria provided, single submitter. Criteria: GeneDx Variant Classification (06012015). Collection method: clinical testing. Allele origin: germline. Affected: yes.
Comment: This variant is considered likely benign or benign based on one or more of the following criteria: it is a conservative change, it occurs at a poorly conserved position in the protein, it is predicted to be benign by multiple in silico algorithms, and/or has population frequency not consistent with disease.

NM_153717.3(EVC):c.1098+123A>G

Gene: EVC (EvC ciliary complex subunit 1; plus strand). Cytogenetic location: 4p16.2.
Variant type: single nucleotide variant.
Coding change: c.1098+123A>G on transcript NM_153717.3 (MANE Select); 123 bases into the intron after coding-DNA position 1098, A replaced by G.
Molecular consequence: intron variant.
Genome position (GRCh38, 1-based): chr4:5,748,429, A>G. VCF-style: chr4-5748429-A-G. GRCh37 (hg19) VCF-style: chr4-5750156-A-G.
Other names: c.1098+123A>G (NM_001306090.2, NM_001306092.2).
Identifiers: ClinVar variation 669934 (VCV000669934.1), dbSNP rs13143108, ClinGen allele CA15322109.